The following is an entry in ClinVar:

NM_001048174.2(MUTYH):c.1495C>T (p.Gln499Ter)

Gene: MUTYH (mutY DNA glycosylase; minus strand). Cytogenetic location: 1p34.1.
Variant type: single nucleotide variant.
Coding change: c.1495C>T on transcript NM_001048174.2 (MANE Select); coding-DNA position 1495, C replaced by T.
Protein change: p.Gln499Ter; replaces glutamine 499 with a stop codon.
Molecular consequence: nonsense. On other transcripts: non-coding transcript variant (2).
Genome position (GRCh38, 1-based): chr1:45,329,377, G>A on the plus strand (C>T on the coding strand, the complement: MUTYH is on the minus strand). VCF-style: chr1-45329377-G-A. GRCh37 (hg19) VCF-style: chr1-45795049-G-A.
Other names: c.1495C>T, p.Gln499Ter (NM_001407070.1, NM_001407072.1, NM_001407073.1 and 6 more transcripts); c.1498C>T, p.Gln500Ter (NM_001407071.1, NM_001407078.1, NM_001048172.2 and 1 more transcripts); c.1411C>T, p.Gln471Ter (NM_001407075.1); c.1528C>T, p.Gln510Ter (NM_001407077.1, NM_001293191.2, NM_001407069.1); c.1456C>T, p.Gln486Ter (NM_001407079.1); c.1453C>T, p.Gln485Ter (NM_001407080.1); c.1579C>T, p.Gln527Ter (NM_001128425.2); c.1540C>T, p.Gln514Ter (NM_001293190.2); and 5 more; short protein forms Q384*, Q407*, Q471*, Q485*, Q486*, Q499*, Q500*, Q506*.
Identifiers: ClinVar variation 1801671 (VCV001801671.2), dbSNP rs182537898, ClinGen allele CA21833366.

ClinVar aggregate classification (germline): Uncertain significance. Review status: criteria provided, single submitter (1 of 4 stars). 2 submissions from 2 submitters: Uncertain significance (1). 1 of the submissions does not count toward it. Last evaluated 2026-06-29.

Conditions:
Hereditary cancer-predisposing syndrome. Also called: Hereditary Cancer Syndrome; Hereditary neoplastic syndrome; Neoplastic Syndromes, Hereditary; Tumor predisposition. Identifiers: Orphanet 140162, MedGen C0027672, MeSH D009386, MONDO:0015356.
Gastric cancer. Also called: Malignant tumor of stomach; Stomach cancer. Identifiers: MedGen C0024623, MeSH D013274, MONDO:0001056, OMIM 613659, HP:0012126.

Allele frequency attached by ClinVar (database versions not stated): 1000 Genomes Project 30x 0.00016; 1000 Genomes Project 0.00020; gnomAD 0.00001.

Submissions (2):

Ambry Genetics
Classification: Uncertain significance for Hereditary cancer-predisposing syndrome. Last evaluated: 2026-06-29. Review status: criteria provided, single submitter. Criteria: Ambry Variant Classification Scheme 2023. Collection method: clinical testing. Allele origin: germline.
Comment: The p.Q527* variant (also known as c.1579C>T), located in coding exon 16 of the MUTYH gene, results from a C to T substitution at nucleotide position 1579. This changes the amino acid from a glutamine to a stop codon within coding exon 16. This variant occurs at the 3' terminus of the gene, is not expected to trigger nonsense-mediated mRNAdecay, and impacts the last 4.18% of the protein. The exact functional effect of this variant is unknown. Based on the available evidence, the clinical significance of this variant remains unclear.

Laboratory for Genotyping Development, RIKEN
Classification: Pathogenic for Gastric cancer. Last evaluated: 2021-07-01. Review status: no assertion criteria provided. Collection method: research. Allele origin: germline. Not counted in ClinVar's aggregate classification.

Literature cited by the submitters: PubMed 36988593 (cited by Laboratory for Genotyping Development, RIKEN).